The following is an entry in ClinVar:

ClinVar aggregate classification (germline): Uncertain significance (1 of 4 stars; one submission).

Allele frequency attached by ClinVar (database versions not stated): gnomAD 0.00001.
gnomAD v4.1: 9 of 1,613,500 alleles (0.00056%); highest among the groups gnomAD compares: Non-Finnish European, 0.00076%; no homozygotes.

Submission:

CeGaT Center for Human Genetics Tuebingen
Classification: Uncertain significance. Last evaluated: 2023-10-01. Review status: criteria provided, single submitter. Criteria: CeGaT Center For Human Genetics Tuebingen Variant Classification Criteria Version 2. Collection method: clinical testing. Allele origin: germline. Affected: yes. Observed: 1 variant allele.
Comment: DNAH17: PM2

NM_173628.4(DNAH17):c.12168C>G (p.Asn4056Lys)

Gene: DNAH17 (dynein axonemal heavy chain 17; minus strand). Cytogenetic location: 17q25.3.
Variant type: single nucleotide variant.
Coding change: c.12168C>G on transcript NM_173628.4 (MANE Select); coding-DNA position 12168, C replaced by G.
Protein change: p.Asn4056Lys; replaces asparagine 4056 with lysine.
Molecular consequence: missense variant.
Genome position (GRCh38, 1-based): chr17:78,434,086, G>C on the plus strand (C>G on the coding strand, the complement: DNAH17 is on the minus strand). VCF-style: chr17-78434086-G-C. GRCh37 (hg19) VCF-style: chr17-76430167-G-C.
Other names: short protein forms N4056K.
Identifiers: ClinVar variation 2648349 (VCV002648349.24), dbSNP rs375982324, ClinGen allele CA401244472.